The following is an entry in ClinVar:

NM_014283.5(SUCO):c.2572del (p.Asp858fs)

Gene: SUCO (SUN domain containing ossification factor; plus strand). Cytogenetic location: 1q24.3.
Variant type: Deletion.
Coding change: c.2572del on transcript NM_014283.5 (MANE Select); coding-DNA position 2572, one base deleted (G; older notation c.2572delG).
Protein change: p.Asp858fs; shifts the reading frame from aspartic acid 858.
Molecular consequence: frameshift variant. On other transcripts: intron variant (1).
Genome position (GRCh38, 1-based): chr1:172,589,673, G deleted; the last of 2 consecutive G bases (chr1:172,589,672-172,589,673); deleting either gives the same sequence. VCF-style (leftmost placement, unchanged base first): chr1-172589671-TG-T. GRCh37 (hg19) VCF-style: chr1-172558811-TG-T.
Other names: c.3025del, p.Asp1009fs (NM_016227.4); c.1712+749del (NM_001282750.2); c.883del, p.Asp295fs (NM_001282751.2); short protein forms D1009fs, D295fs, D858fs.
Identifiers: ClinVar variation 2967123 (VCV002967123.3), dbSNP rs2527424862, ClinGen allele CA2740090407.

ClinVar aggregate classification (germline): Uncertain significance (1 of 4 stars; one submission).

Submission:

Labcorp Genetics (formerly Invitae), Labcorp
Classification: Uncertain significance. Last evaluated: 2024-02-01. Review status: criteria provided, single submitter. Criteria: Invitae Variant Classification Sherloc (09022015). Collection method: clinical testing. Allele origin: germline.
Comment: This sequence change creates a premature translational stop signal (p.Asp858Ilefs*8) in the SUCO gene. It is expected to result in an absent or disrupted protein product. However, the current clinical and genetic evidence is not sufficient to establish whether loss-of-function variants in SUCO cause disease. This variant is not present in population databases (gnomAD no frequency). This variant has not been reported in the literature in individuals affected with SUCO-related conditions. Experimental studies and prediction algorithms are not available or were not evaluated, and the functional significance of this variant is currently unknown. In summary, the available evidence is currently insufficient to determine the role of this variant in disease. Therefore, it has been classified as a Variant of Uncertain Significance.